The following is an entry in ClinVar:

ClinVar aggregate classification (germline): Uncertain significance (1 of 4 stars; one submission).

gnomAD v4.1: 1 of 1,608,944 alleles (0.000062%); highest among the groups gnomAD compares: African/African-American, 0.0013%; no homozygotes.

Submission:

Greenwood Genetic Center Diagnostic Laboratories, Greenwood Genetic Center
Classification: Uncertain significance. Last evaluated: 2024-07-09. Review status: criteria provided, single submitter. Criteria: ACMG Guidelines, 2015. Collection method: clinical testing. Allele origin: germline. Affected: yes.
Comment: PM2, PP2

NM_018489.3(ASH1L):c.6799C>G (p.Leu2267Val)

Gene: ASH1L (ASH1 like histone lysine methyltransferase; minus strand). Cytogenetic location: 1q22.
Variant type: single nucleotide variant.
Coding change: c.6799C>G on transcript NM_018489.3 (MANE Select); coding-DNA position 6799, C replaced by G.
Protein change: p.Leu2267Val; replaces leucine 2267 with valine.
Molecular consequence: missense variant.
Genome position (GRCh38, 1-based): chr1:155,357,746, G>C on the plus strand (C>G on the coding strand, the complement: ASH1L is on the minus strand). VCF-style: chr1-155357746-G-C. GRCh37 (hg19) VCF-style: chr1-155327537-G-C.
Other names: c.6814C>G, p.Leu2272Val (NM_001366177.2); short protein forms L2267V, L2272V.
Identifiers: ClinVar variation 3765668 (VCV003765668.1).